The following is an entry in ClinVar:

ClinVar aggregate classification (germline): Pathogenic. Review status: criteria provided, multiple submitters, no conflicts (2 of 4 stars). 2 submissions from 2 submitters: Pathogenic (2). Last evaluated 2024-08-31.

Conditions:
Aniridia 1 (AN1). Identifiers: Orphanet 250923, MedGen C0344542, MONDO:0024507, OMIM 106210.
Irido-corneo-trabecular dysgenesis (ASGD5). Also called: ANTERIOR SEGMENT DYSGENESIS 5. Identifiers: Orphanet 708, MedGen C0344559, MONDO:0011414, OMIM 604229, HP:0000659.

Allele frequency attached by ClinVar (database versions not stated): gnomAD exomes below 0.00001.
gnomAD v4.1: 1 of 1,614,178 alleles (0.000062%); highest among the groups gnomAD compares: Non-Finnish European, 0.000085%; no homozygotes.

Submissions (2):

Labcorp Genetics (formerly Invitae), Labcorp
Classification: Pathogenic for Aniridia 1; Irido-corneo-trabecular dysgenesis. Last evaluated: 2024-08-31. Review status: criteria provided, single submitter. Criteria: Invitae Variant Classification Sherloc (09022015). Collection method: clinical testing. Allele origin: germline.
Comment: This sequence change affects a donor splice site in intron 10 of the PAX6 gene. It is expected to disrupt RNA splicing. Variants that disrupt the donor or acceptor splice site typically lead to a loss of protein function (PMID: 16199547), and loss-of-function variants in PAX6 are known to be pathogenic (PMID: 12634864). This variant is not present in population databases (gnomAD no frequency). Disruption of this splice site has been observed in individual(s) with aniridia (PMID: 17893655, 32360764). This variant is also known as IVS10+1G>A. ClinVar contains an entry for this variant (Variation ID: 800462). Algorithms developed to predict the effect of sequence changes on RNA splicing suggest that this variant may disrupt the consensus splice site. For these reasons, this variant has been classified as Pathogenic.

Wessex Regional Genetics Laboratory, Salisbury District Hospital
Classification: Pathogenic for Aniridia 1. Last evaluated: 2019-08-15. Review status: criteria provided, single submitter. Criteria: ACMG Guidelines, 2015. Collection method: clinical testing. Allele origin: unknown, inherited. Inheritance: Autosomal dominant inheritance. Affected: yes. Observed: 2 variant alleles.

Literature cited by the submitters: PubMed 16199547 (cited by Labcorp Genetics (formerly Invitae), Labcorp); PubMed 12634864 (cited by Labcorp Genetics (formerly Invitae), Labcorp); PubMed 17893655 (cited by Labcorp Genetics (formerly Invitae), Labcorp); PubMed 32360764 (cited by Labcorp Genetics (formerly Invitae), Labcorp).

NM_001368894.2(PAX6):c.958+1G>A

Gene: PAX6 (paired box 6; minus strand). Cytogenetic location: 11p13.
Variant type: single nucleotide variant.
Coding change: c.958+1G>A on transcript NM_001368894.2 (MANE Select); the canonical splice donor site of the intron after coding-DNA position 958, G replaced by A.
Molecular consequence: splice donor variant.
Genome position (GRCh38, 1-based): chr11:31,793,651, C>T on the plus strand (G>A on the coding strand, the complement: PAX6 is on the minus strand). VCF-style: chr11-31793651-C-T. GRCh37 (hg19) VCF-style: chr11-31815199-C-T.
Other names: c.916+1G>A (NM_001127612.3, NM_001368890.2, NM_001368888.2 and 10 more transcripts); c.757+1G>A (NM_001368921.2, NM_001368923.2, NM_001368926.2 and 4 more transcripts); c.958+1G>A (NM_001258462.3, NM_001310158.2, NM_001258463.2 and 6 more transcripts); c.1033+1G>A (NM_001368919.2, NM_001368918.2); c.1159+1G>A (NM_001368910.2); c.508+1G>A (NM_001368909.2, NM_001368904.2, NM_001368905.2 and 11 more transcripts); c.961+1G>A (NM_001368911.2); c.715+1G>A (NM_001368928.2); and 2 more.
Identifiers: ClinVar variation 800462 (VCV000800462.5), dbSNP rs1057517783, ClinGen allele CA379956237.